The following is an entry in ClinVar:

ClinVar aggregate classification (germline): Uncertain significance (1 of 4 stars; one submission).

Conditions:
Norman-Roberts syndrome (LIS2). Also called: Lissencephaly 2 (Norman-Roberts type). Identifiers: Orphanet 89844, MedGen C0796089, MONDO:0009760, OMIM 257320.
Familial temporal lobe epilepsy 7. Identifiers: Orphanet 101046, MedGen C4225327, MONDO:0014639, OMIM 616436.

gnomAD v4.1: 1 of 1,613,972 alleles (0.000062%); highest among the groups gnomAD compares: Non-Finnish European, 0.000085%; no homozygotes.

Submission:

Labcorp Genetics (formerly Invitae), Labcorp
Classification: Uncertain significance for Familial temporal lobe epilepsy 7; Norman-Roberts syndrome. Last evaluated: 2020-04-09. Review status: criteria provided, single submitter. Criteria: Invitae Variant Classification Sherloc (09022015). Collection method: clinical testing. Allele origin: germline.
Comment: In summary, the available evidence is currently insufficient to determine the role of this variant in disease. Therefore, it has been classified as a Variant of Uncertain Significance. Algorithms developed to predict the effect of missense changes on protein structure and function are either unavailable or do not agree on the potential impact of this missense change (SIFT: "Deleterious"; PolyPhen-2: "Probably Damaging"; Align-GVGD: "Class C0"). This variant has not been reported in the literature in individuals with RELN-related conditions. This variant is not present in population databases (ExAC no frequency). This sequence change replaces leucine with phenylalanine at codon 411 of the RELN protein (p.Leu411Phe). The leucine residue is highly conserved and there is a small physicochemical difference between leucine and phenylalanine.

NM_005045.4(RELN):c.1231C>T (p.Leu411Phe)

Gene: RELN (reelin; minus strand). Cytogenetic location: 7q22.1.
Variant type: single nucleotide variant.
Coding change: c.1231C>T on transcript NM_005045.4 (MANE Select); coding-DNA position 1231, C replaced by T.
Protein change: p.Leu411Phe; replaces leucine 411 with phenylalanine.
Molecular consequence: missense variant.
Genome position (GRCh38, 1-based): chr7:103,682,174, G>A on the plus strand (C>T on the coding strand, the complement: RELN is on the minus strand). VCF-style: chr7-103682174-G-A. GRCh37 (hg19) VCF-style: chr7-103322621-G-A.
Other names: c.1231C>T, p.Leu411Phe (NM_173054.3); short protein forms L411F.
Identifiers: ClinVar variation 1043304 (VCV001043304.8), dbSNP rs144978163, ClinGen allele CA368926311.